The following is an entry in ClinVar:

ClinVar aggregate classification (germline): Benign (1 of 4 stars; one submission).

Submission:

CeGaT Center for Human Genetics Tuebingen
Classification: Benign. Last evaluated: 2026-08-01. Review status: criteria provided, single submitter. Criteria: CeGaT Center For Human Genetics Tuebingen Variant Classification Criteria Version 2. Collection method: clinical testing. Allele origin: germline. Affected: yes. Observed: 2 variant alleles.
Comment: PRKCG: BS1, BS2

NM_002739.5(PRKCG):c.1576-167_1576-157dup

Gene: PRKCG (protein kinase C gamma; plus strand). Cytogenetic location: 19q13.42.
Variant type: Duplication.
Coding change: c.1576-167_1576-157dup on transcript NM_002739.5 (MANE Select); 167 bases into the intron before coding-DNA position 1576 through 157 bases into the intron before coding-DNA position 1576, 11 bases duplicated (AAAAAAAAAAA).
Molecular consequence: intron variant.
Genome position (GRCh38, 1-based): chr19:53,902,906-53,902,916, AAAAAAAAAAA duplicated; duplicating any 11 consecutive bases within chr19:53,902,891-53,902,916 gives the same sequence; the c. name uses the placement nearest the transcript's 3' end. VCF-style (leftmost placement, unchanged base first): chr19-53902890-C-CAAAAAAAAAAA. GRCh37 (hg19) VCF-style: chr19-54406144-C-CAAAAAAAAAAA.
Other names: c.1576-167_1576-157dup (NM_001316329.2).
Identifiers: ClinVar variation 4534609 (VCV004534609.6).
Genomic context (GRCh38, chr19:53,902,890, plus strand): 5'-GCTGAGTGAGCCGTGATCACACTACTGTGCTCCAGCCTGGGCAACAGAGTGAGACCCTGT[C>CAAAAAAAAAAA]AAAAAAAAAAAAAAAAAAAAAAAAAACGAAACAAAAAATCACCTGATGAAATAAATATTC-3'